The following is an entry in ClinVar:

ClinVar aggregate classification (germline): Uncertain significance. Review status: criteria provided, multiple submitters, no conflicts (2 of 4 stars). 2 submissions from 2 submitters: Uncertain significance (2). Last evaluated 2026-01-28.
ClinVar aggregate classification (oncogenicity): Uncertain significance (1 of 4 stars; one submission).

Conditions:
Hereditary cancer-predisposing syndrome. Also called: Hereditary Cancer Syndrome; Neoplastic Syndromes, Hereditary; Tumor predisposition; Hereditary neoplastic syndrome. Identifiers: Orphanet 140162, MedGen C0027672, MeSH D009386, MONDO:0015356.
Familial adenomatous polyposis 1 (FAP1). Also called: FAMILIAL ADENOMATOUS POLYPOSIS 1, ATTENUATED; POLYPOSIS, ADENOMATOUS INTESTINAL. Identifiers: MedGen C2713442, MONDO:0021056, OMIM 175100. Disease mechanism: loss of function.
Neoplasm. Also called: Neoplasms; Neoplasm (disease); tumor. Identifiers: MedGen C0027651, MeSH D009369, MONDO:0005070, HP:0002664.

Allele frequency attached by ClinVar (database versions not stated): gnomAD 0.00003; gnomAD exomes 0.00005 and 0.00001; TOPMed 0.00001.
gnomAD v4.1: 12 of 1,368,268 alleles (0.00088%); highest among the groups gnomAD compares: East Asian, 0.034%; no homozygotes.

Submissions (3):

Labcorp Genetics (formerly Invitae), Labcorp
Classification: Uncertain significance for Familial adenomatous polyposis 1. Last evaluated: 2026-01-28. Review status: criteria provided, single submitter. Criteria: Invitae Variant Classification Sherloc (09022015). Collection method: clinical testing. Allele origin: germline.
Comment: This variant occurs in a non-coding region of the APC gene. It does not change the encoded amino acid sequence of the APC protein. The frequency data for this variant in the population databases is considered unreliable, as metrics indicate poor data quality at this position in the gnomAD database. This variant has not been reported in the literature in individuals affected with APC-related conditions. ClinVar contains an entry for this variant (Variation ID: 537591). Experimental studies and prediction algorithms are not available or were not evaluated, and the functional significance of this variant is currently unknown. In summary, the available evidence is currently insufficient to determine the role of this variant in disease. Therefore, it has been classified as a Variant of Uncertain Significance.

Center for Genomic Medicine, Rigshospitalet, Copenhagen University Hospital
Classification: Uncertain significance for Neoplasm. Last evaluated: 2025-03-04. Review status: criteria provided, single submitter. Criteria: ClinGen/CGC/VICC Guidelines for Oncogenicity, 2022. Collection method: clinical testing. Allele origin: somatic. Affected: yes.

Sema4
Classification: Uncertain significance for Hereditary cancer-predisposing syndrome. Last evaluated: 2021-09-15. Review status: criteria provided, single submitter. Criteria: Sema4 Curation Guidelines. Collection method: curation. Allele origin: germline.
Comment: The APC c.-19+1G>A variant has not been reported in the literature to our knowledge. This variant is in intron 1 of the APC gene and is predicted to abolish the canonical splice donor site. However, exon 1 of the APC gene is noncoding. It was not observed in the large and broad cohorts of the Genome Aggregation Database (PMID: 32461654). This variant has not been reported in ClinVar. The evidence is insufficient to meet ACMG/AMP criteria for classifying the variant as benign or pathogenic. Thus, the clinical significance of this variant is currently uncertain.

NM_001127511.3(APC):c.165+1G>A

Gene: APC (APC regulator of Wnt signaling pathway; plus strand). Cytogenetic location: 5q22.2.
Variant type: single nucleotide variant.
Coding change: c.165+1G>A on transcript NM_001127511.3; the canonical splice donor site of the intron after coding-DNA position 165, G replaced by A.
Molecular consequence: splice donor variant. On other transcripts: intron variant (5).
Genome position (GRCh38, 1-based): chr5:112,707,883, G>A. VCF-style: chr5-112707883-G-A. GRCh37 (hg19) VCF-style: chr5-112043580-G-A.
Other names: c.-1054+1G>A (NM_001407470.1, NM_001407472.1); c.-19+1G>A (NM_001407447.1, NM_001354895.2, NM_001407456.1 and 3 more transcripts); c.165+1G>A (NM_001407446.1, NM_001354897.2, NM_001354902.2); c.-19+234G>A (NM_001407448.1, NM_001407450.1, NM_001407457.1 and 1 more transcripts); c.-43+234G>A (NM_001407453.1).
Identifiers: ClinVar variation 537591 (VCV000537591.12), dbSNP rs1239946140, ClinGen allele CA360612237.
Genomic context (GRCh38, chr5:112,707,883, plus strand): 5'-CAGGAGACGAAGAGCCCGGGCGGCGCTCGTACTTCTGGCCACTGGGCGAGCGTCTGGCAG[G>A]TGAGTGAGGCTGCAGGCATTGACGTCTCCTCCCGGCAAAGCTTCCTCGGCTTTGCCCCGC-3'